The following is an entry in ClinVar:

NM_000038.6(APC):c.7343C>T (p.Pro2448Leu)

Gene: APC (APC regulator of Wnt signaling pathway; plus strand). Cytogenetic location: 5q22.2.
Variant type: single nucleotide variant.
Coding change: c.7343C>T on transcript NM_000038.6 (MANE Select); coding-DNA position 7343, C replaced by T.
Protein change: p.Pro2448Leu; replaces proline 2448 with leucine.
Molecular consequence: missense variant.
Genome position (GRCh38, 1-based): chr5:112,842,937, C>T. VCF-style: chr5-112842937-C-T. GRCh37 (hg19) VCF-style: chr5-112178634-C-T.
Other names: c.7343C>T, p.Pro2448Leu (NM_001127510.3, NM_001354895.2, NM_001407450.1); c.7289C>T, p.Pro2430Leu (NM_001127511.3); c.7397C>T, p.Pro2466Leu (NM_001354896.2, NM_001407447.1, NM_001407448.1 and 1 more transcripts); c.7373C>T, p.Pro2458Leu (NM_001354897.2); c.7268C>T, p.Pro2423Leu (NM_001354898.2); c.7259C>T, p.Pro2420Leu (NM_001354899.2); c.7220C>T, p.Pro2407Leu (NM_001354900.2); c.7166C>T, p.Pro2389Leu (NM_001354901.2, NM_001407453.1); and 11 more; short protein forms P2420L, P2441L, P2466L, P2064L, P2288L, P2319L, P2347L, P2407L.
Identifiers: ClinVar variation 1758422 (VCV001758422.2), dbSNP rs769559189, ClinGen allele CA16037324.
Genomic context (GRCh38, chr5:112,842,937, plus strand): 5'-AATCTGATAGATCAGAAAGACCTGTATTAGTACGCCAGTCAACTTTCATCAAAGAAGCTC[C>T]AAGCCCAACCTTAAGAAGAAAATTGGAGGAATCTGCTTCATTTGAATCTCTTTCTCCATC-3'
Protein context (NP_000029.2, residues 2438-2458): VRQSTFIKEA[Pro2448Leu]SPTLRRKLEE

ClinVar aggregate classification (germline): Uncertain significance (1 of 4 stars; one submission).

Conditions:
Hereditary cancer-predisposing syndrome. Also called: Neoplastic Syndromes, Hereditary; Tumor predisposition; Hereditary Cancer Syndrome; Hereditary neoplastic syndrome. Identifiers: Orphanet 140162, MedGen C0027672, MeSH D009386, MONDO:0015356.

Submission:

Ambry Genetics
Classification: Uncertain significance for Hereditary cancer-predisposing syndrome. Last evaluated: 2022-05-16. Review status: criteria provided, single submitter. Criteria: Ambry Variant Classification Scheme 2023. Collection method: clinical testing. Allele origin: germline.
Comment: The p.P2448L variant (also known as c.7343C>T), located in coding exon 15 of the APC gene, results from a C to T substitution at nucleotide position 7343. The proline at codon 2448 is replaced by leucine, an amino acid with similar properties. This amino acid position is conserved. In addition, in silico predictors for this gene do not accurately predict pathogenicity. Since supporting evidence is limited at this time, the clinical significance of this alteration remains unclear.